The following is an entry in ClinVar:

ClinVar aggregate classification (germline): Uncertain significance. Review status: criteria provided, multiple submitters, no conflicts (2 of 4 stars). 2 submissions from 2 submitters: Uncertain significance (2). Last evaluated 2025-11-25.

Conditions:
Immunodeficiency, common variable, 4. Also called: ANTIBODY DEFICIENCY DUE TO BAFFR DEFECT. Identifiers: Orphanet 1572, Orphanet 696925, MedGen C3150739, MONDO:0013284, OMIM 613494.

Allele frequency attached by ClinVar (database versions not stated): gnomAD exomes 0.00001; TOPMed 0.00001.

Submissions (2):

Labcorp Genetics (formerly Invitae), Labcorp
Classification: Uncertain significance for Immunodeficiency, common variable, 4. Last evaluated: 2025-11-25. Review status: criteria provided, single submitter. Criteria: Invitae Variant Classification Sherloc (09022015). Collection method: clinical testing. Allele origin: germline.
Comment: This sequence change replaces alanine, which is neutral and non-polar, with threonine, which is neutral and polar, at codon 67 of the TNFRSF13C protein (p.Ala67Thr). The frequency data for this variant in the population databases is considered unreliable, as metrics indicate poor data quality at this position in the gnomAD database. This variant has not been reported in the literature in individuals affected with TNFRSF13C-related conditions. ClinVar contains an entry for this variant (Variation ID: 835705). An algorithm developed to predict the effect of missense changes on protein structure and function outputs the following: PolyPhen-2: "Benign". The threonine amino acid residue is found in multiple mammalian species, which suggests that this missense change does not adversely affect protein function. In summary, the available evidence is currently insufficient to determine the role of this variant in disease. Therefore, it has been classified as a Variant of Uncertain Significance.

Ambry Genetics
Classification: Uncertain significance. Last evaluated: 2024-08-01. Review status: criteria provided, single submitter. Criteria: Ambry Variant Classification Scheme 2023. Collection method: clinical testing. Allele origin: germline.

NM_052945.4(TNFRSF13C):c.199G>A (p.Ala67Thr)

Genes: TNFRSF13C (TNF receptor superfamily member 13C; minus strand), LOC130067574 (ATAC-STARR-seq lymphoblastoid silent region 13813; plus strand). Cytogenetic location: 22q13.2.
Variant type: single nucleotide variant.
Coding change: c.199G>A on transcript NM_052945.4 (MANE Select); coding-DNA position 199, G replaced by A.
Protein change: p.Ala67Thr; replaces alanine 67 with threonine.
Molecular consequence: missense variant.
Genome position (GRCh38, 1-based): chr22:41,926,269, C>T on the plus strand (G>A on the coding strand, the complement: TNFRSF13C is on the minus strand). VCF-style: chr22-41926269-C-T. GRCh37 (hg19) VCF-style: chr22-42322273-C-T.
Other names: short protein forms A67T.
Identifiers: ClinVar variation 835705 (VCV000835705.11), dbSNP rs1050585658, ClinGen allele CA324633614.